The following is an entry in ClinVar:

NM_000166.6(GJB1):c.633C>A (p.Tyr211Ter)

Gene: GJB1 (gap junction protein beta 1; plus strand). Cytogenetic location: Xq13.1.
Variant type: single nucleotide variant.
Coding change: c.633C>A on transcript NM_000166.6 (MANE Select); coding-DNA position 633, C replaced by A.
Protein change: p.Tyr211Ter; replaces tyrosine 211 with a stop codon.
Molecular consequence: nonsense.
Genome position (GRCh38, 1-based): chrX:71,224,340, C>A. VCF-style: chrX-71224340-C-A. GRCh37 (hg19) VCF-style: chrX-70444190-C-A.
Other names: c.633C>A, p.Tyr211Ter (NM_001097642.3); short protein forms Y211*.
Identifiers: ClinVar variation 620115 (VCV000620115.4), dbSNP rs1569215443, ClinGen allele CA413503379.

ClinVar aggregate classification (germline): Pathogenic. Review status: criteria provided, multiple submitters, no conflicts (2 of 4 stars). 4 submissions from 4 submitters: Pathogenic (2). 2 of the submissions do not count toward it. Last evaluated 2024-11-11.

Conditions:
Charcot-Marie-Tooth disease X-linked dominant 1. Also called: X-linked Charcot-Marie-Tooth disease type 1; GJB1 Disorders: Charcot-Marie-Tooth Neuropathy (CMT1X) and Central Nervous System Phenotypes; CHARCOT-MARIE-TOOTH NEUROPATHY, X-LINKED, 1; CHARCOT-MARIE-TOOTH PERONEAL MUSCULAR ATROPHY, X-LINKED; HMSN, X-LINKED; HEREDITARY MOTOR AND SENSORY NEUROPATHY, X-LINKED. Identifiers: Orphanet 101075, MedGen C0393808, MONDO:0010549, OMIM 302800.
GJB1-related disorder. Also called: GJB1-related condition; GJB1-related disorders.
Charcot-Marie-Tooth disease. Also called: Charcot-Marie-Tooth Hereditary Neuropathy; Charcot-Marie-Tooth Neuropathy. Identifiers: Orphanet 166, MedGen C0007959, MONDO:0015626.

Submissions (4):

Blueprint Genetics
Classification: Pathogenic for GJB1-related disorders. Last evaluated: 2024-11-11. Review status: criteria provided, single submitter. Criteria: ACMG Guidelines, 2015. Collection method: clinical testing. Allele origin: germline. Affected: yes. Observed: 1 variant allele.

GeneDx
Classification: Pathogenic. Last evaluated: 2018-09-14. Review status: criteria provided, single submitter. Criteria: GeneDx Variant Classification (06012015). Collection method: clinical testing. Allele origin: germline. Affected: yes.
Comment: The Y211X variant in the GJB1 gene has been reported to segregate with disease in multiple family members with X-linked Charcot-Marie-Tooth disease (Tan et al., 1996). Functional studies demonstrate that Y211X results in a smaller protein size and defective intracellular trafficking due to failure to form functional gap junctions (Ressot et al., 1998, Yum et al., 2002). This variant is predicted to cause loss of normal protein function through protein truncation where the last 73 amino acids are lost. The Y211X variant is not observed in large population cohorts (Lek et al., 2016). We interpret Y211X as a pathogenic variant.

Inherited Neuropathy Consortium Ii, University Of Miami
Classification: Uncertain significance for Charcot-Marie-Tooth disease X-linked dominant 1. Last evaluated: 2016-01-06. Review status: no assertion criteria provided. Collection method: literature only. Allele origin: germline. Affected: yes. Not counted in ClinVar's aggregate classification.

Inherited Neuropathy Consortium
Classification: Uncertain significance for Charcot-Marie-Tooth disease. Review status: no assertion criteria provided. Collection method: literature only. Allele origin: germline. Affected: yes. Not counted in ClinVar's aggregate classification.

Literature cited by the submitters: PubMed 8829637 (cited by Inherited Neuropathy Consortium Ii, University Of Miami and Inherited Neuropathy Consortium).